The following is an entry in ClinVar:

NM_004181.5(UCHL1):c.45+4_45+7del

Gene: UCHL1 (ubiquitin C-terminal hydrolase L1; plus strand). Cytogenetic location: 4p13.
Variant type: Microsatellite.
Coding change: c.45+4_45+7del on transcript NM_004181.5 (MANE Select); bases 4 to 7 of the intron after coding-DNA position 45, 4 bases deleted (AGTG; older notation c.45+4_45+7delAGTG).
Molecular consequence: splice donor variant.
Genome position (GRCh38, 1-based): chr4:41,257,130-41,257,133, AGTG deleted; deleting any 4 consecutive bases within chr4:41,257,126-41,257,133 gives the same sequence; the c. name uses the placement nearest the transcript's 3' end. VCF-style (leftmost placement, unchanged base first): chr4-41257125-AAGTG-A. GRCh37 (hg19) VCF-style: chr4-41259142-AAGTG-A.
Identifiers: ClinVar variation 3389734 (VCV003389734.14).

ClinVar aggregate classification (germline): Uncertain significance (1 of 4 stars; one submission).

Submission:

CeGaT Center for Human Genetics Tuebingen
Classification: Uncertain significance. Last evaluated: 2024-09-01. Review status: criteria provided, single submitter. Criteria: CeGaT Center For Human Genetics Tuebingen Variant Classification Criteria Version 2. Collection method: clinical testing. Allele origin: germline. Affected: yes. Observed: 1 variant allele.
Comment: UCHL1: PM2, PP3